The following is an entry in ClinVar:

NM_031885.5(BBS2):c.1671T>A (p.Asn557Lys)

Gene: BBS2 (Bardet-Biedl syndrome 2; minus strand). Cytogenetic location: 16q13.
Variant type: single nucleotide variant.
Coding change: c.1671T>A on transcript NM_031885.5 (MANE Select); coding-DNA position 1671, T replaced by A.
Protein change: p.Asn557Lys; replaces asparagine 557 with lysine.
Molecular consequence: missense variant. On other transcripts: non-coding transcript variant (5).
Genome position (GRCh38, 1-based): chr16:56,497,869, A>T on the plus strand (T>A on the coding strand, the complement: BBS2 is on the minus strand). VCF-style: chr16-56497869-A-T. GRCh37 (hg19) VCF-style: chr16-56531781-A-T.
Other names: c.1671T>A, p.Asn557Lys (NM_001377456.1); short protein forms N557K.
Identifiers: ClinVar variation 5001490 (VCV005001490.1).

ClinVar aggregate classification (germline): Uncertain significance (1 of 4 stars; one submission).

Conditions:
BBS2-related disorder. Also called: BBS2-related disorders; BBS2-related condition. Identifiers: MedGen CN239228.

Submission:

PreventionGenetics, part of Exact Sciences
Classification: Uncertain significance for BBS2-related condition. Last evaluated: 2025-08-22. Review status: criteria provided, single submitter. Criteria: ACMG Guidelines, 2015. Collection method: clinical testing. Allele origin: germline.
Comment: The BBS2 c.1671T>A variant is predicted to result in the amino acid substitution p.Asn557Lys. To our knowledge, this variant has not been reported in the literature or in a large population database (gnomAD), indicating this variant is rare. At this time, the clinical significance of this variant is uncertain due to the absence of conclusive functional and genetic evidence.